The following is an entry in ClinVar:

NM_001854.4(COL11A1):c.1945-2A>G

Gene: COL11A1 (collagen type XI alpha 1 chain; minus strand). Cytogenetic location: 1p21.1.
Variant type: single nucleotide variant.
Coding change: c.1945-2A>G on transcript NM_001854.4 (MANE Select); the canonical splice acceptor site of the intron before coding-DNA position 1945, A replaced by G.
Molecular consequence: splice acceptor variant.
Genome position (GRCh38, 1-based): chr1:103,003,270, T>C on the plus strand (A>G on the coding strand, the complement: COL11A1 is on the minus strand). VCF-style: chr1-103003270-T-C. GRCh37 (hg19) VCF-style: chr1-103468826-T-C.
Other names: c.1828-2A>G (NM_001190709.2); c.1981-2A>G (NM_080629.3); c.1597-2A>G (NM_080630.4).
Identifiers: ClinVar variation 2714175 (VCV002714175.3), dbSNP rs2525370860, ClinGen allele CA341171800.
Genomic context (GRCh38, chr1:103,003,270, plus strand): 5'-CATACAGGCTGCCCTGGAGCTCCTGGAGTTCCCCTTGGACCCAGCAAACCTCGTGGGCCC[T>C]AGGAGAAAAAGAAAAAGCACGCCTTTATTAAAAAAAAAAAATGTCCTAATAACATGCCTC-3'

ClinVar aggregate classification (germline): Likely pathogenic (1 of 4 stars; one submission).

Submission:

Labcorp Genetics (formerly Invitae), Labcorp
Classification: Likely pathogenic. Last evaluated: 2024-03-07. Review status: criteria provided, single submitter. Criteria: Invitae Variant Classification Sherloc (09022015). Collection method: clinical testing. Allele origin: germline.
Comment: This sequence change affects an acceptor splice site in intron 20 of the COL11A1 gene. It is expected to disrupt RNA splicing. Variants that disrupt the donor or acceptor splice site typically lead to a loss of protein function (PMID: 16199547), and loss-of-function variants in COL11A1 are known to be pathogenic (PMID: 20513134, 21035103, 23922384, 25240749, 32427345, 32756486). This variant is not present in population databases (gnomAD no frequency). Disruption of this splice site has been observed in individual(s) with clinical features of autosomal dominant Stickler syndrome (Invitae). Algorithms developed to predict the effect of sequence changes on RNA splicing suggest that this variant may disrupt the consensus splice site. In summary, the currently available evidence indicates that the variant is pathogenic, but additional data are needed to prove that conclusively. Therefore, this variant has been classified as Likely Pathogenic.

Literature cited by the submitters: PubMed 16199547; PubMed 20513134; PubMed 21035103; PubMed 23922384; PubMed 25240749; PubMed 32427345; PubMed 32756486.